The following is an entry in ClinVar:

ClinVar aggregate classification (germline): Uncertain significance (1 of 4 stars; one submission).

Conditions:
PLXNA4-related disorder. Also called: PLXNA4-related condition.

Submission:

PreventionGenetics, part of Exact Sciences
Classification: Uncertain significance for PLXNA4-related condition. Last evaluated: 2026-08-28. Review status: criteria provided, single submitter. Criteria: ACMG Guidelines, 2015. Collection method: clinical testing. Allele origin: germline.
Comment: The PLXNA4 c.4455G>C variant is predicted to result in the amino acid substitution p.Leu1485Phe. To our knowledge, this variant has not been reported in the literature or in a large population database (gnomAD), indicating this variant is rare. At this time, the clinical significance of this variant is uncertain due to the absence of conclusive functional and genetic evidence.

NM_020911.2(PLXNA4):c.4455G>C (p.Leu1485Phe)

Gene: PLXNA4 (plexin A4; minus strand). Cytogenetic location: 7q32.3.
Variant type: single nucleotide variant.
Coding change: c.4455G>C on transcript NM_020911.2 (MANE Select); coding-DNA position 4455, G replaced by C.
Protein change: p.Leu1485Phe; replaces leucine 1485 with phenylalanine.
Molecular consequence: missense variant.
Genome position (GRCh38, 1-based): chr7:132,164,187, C>G on the plus strand (G>C on the coding strand, the complement: PLXNA4 is on the minus strand). VCF-style: chr7-132164187-C-G. GRCh37 (hg19) VCF-style: chr7-131848946-C-G.
Other names: c.4455G>C, p.Leu1485Phe (NM_001393897.1); short protein forms L1485F.
Identifiers: ClinVar variation 4992709 (VCV004992709.1).